The following is an entry in ClinVar:

ClinVar aggregate classification (germline): Uncertain significance (1 of 4 stars; one submission).

Conditions:
Hereditary cancer-predisposing syndrome. Also called: Neoplastic Syndromes, Hereditary; Tumor predisposition; Hereditary neoplastic syndrome; Hereditary Cancer Syndrome. Identifiers: Orphanet 140162, MedGen C0027672, MeSH D009386, MONDO:0015356.

Allele frequency attached by ClinVar (database versions not stated): ESP Exome Variant Server 0.00008.

Submission:

Ambry Genetics
Classification: Uncertain significance for Hereditary cancer-predisposing syndrome. Last evaluated: 2019-10-19. Review status: criteria provided, single submitter. Criteria: Ambry Variant Classification Scheme 2023. Collection method: clinical testing. Allele origin: germline.
Comment: The p.E225Q variant (also known as c.673G>C), located in coding exon 6 of the FANCC gene, results from a G to C substitution at nucleotide position 673. The glutamic acid at codon 225 is replaced by glutamine, an amino acid with highly similar properties. This amino acid position is highly conserved in available vertebrate species. In addition, this alteration is predicted to be tolerated by in silico analysis. Since supporting evidence is limited at this time, the clinical significance of this alteration remains unclear.

NM_000136.3(FANCC):c.673G>C (p.Glu225Gln)

Genes: FANCC (FA complementation group C; minus strand), AOPEP (aminopeptidase O (putative); plus strand). Cytogenetic location: 9q22.32.
Variant type: single nucleotide variant.
Coding change: c.673G>C on transcript NM_000136.3 (MANE Select); coding-DNA position 673, G replaced by C.
Protein change: p.Glu225Gln; replaces glutamic acid 225 with glutamine.
Molecular consequence: missense variant.
Genome position (GRCh38, 1-based): chr9:95,149,936, C>G on the plus strand (G>C on the coding strand, the complement: FANCC is on the minus strand). VCF-style: chr9-95149936-C-G. GRCh37 (hg19) VCF-style: chr9-97912218-C-G.
Other names: c.673G>C, p.Glu225Gln (NM_001243743.2, NM_001243744.2); short protein forms E225Q.
Identifiers: ClinVar variation 826593 (VCV000826593.4), dbSNP rs374176091, ClinGen allele CA5137674.